The following is an entry in ClinVar:

ClinVar aggregate classification (germline): Likely pathogenic (1 of 4 stars; one submission).

Conditions:
Actin accumulation myopathy (CMYO2A). Also called: CONGENITAL MYOPATHY 2A, TYPICAL, AUTOSOMAL DOMINANT; Nemaline myopathy type 3; Myopathy, actin, congenital, with excess of thin myofilaments; Myopathy, actin, congenital, with cores; Nemaline myopathy 3, with intranuclear rods. Identifiers: Orphanet 98904, MedGen C3711389, MONDO:0008070, OMIM 161800.

Allele frequency attached by ClinVar (database versions not stated): ExAC below 0.00001; gnomAD 0.00001.

Submission:

Labcorp Genetics (formerly Invitae), Labcorp
Classification: Likely pathogenic for Actin accumulation myopathy. Last evaluated: 2024-03-27. Review status: criteria provided, single submitter. Criteria: Invitae Variant Classification Sherloc (09022015). Collection method: clinical testing. Allele origin: germline.
Comment: This sequence change replaces valine, which is neutral and non-polar, with leucine, which is neutral and non-polar, at codon 154 of the ACTA1 protein (p.Val154Leu). This variant is not present in population databases (gnomAD no frequency). This missense change has been observed in individuals with autosomal recessive ACTA1-related conditions (PMID: 25182138, 31321302; Invitae). It has also been observed to segregate with disease in related individuals. ClinVar contains an entry for this variant (Variation ID: 855039). Advanced modeling of protein sequence and biophysical properties (such as structural, functional, and spatial information, amino acid conservation, physicochemical variation, residue mobility, and thermodynamic stability) performed at Invitae indicates that this missense variant is not expected to disrupt ACTA1 protein function with a negative predictive value of 80%. In summary, the currently available evidence indicates that the variant is pathogenic, but additional data are needed to prove that conclusively. Therefore, this variant has been classified as Likely Pathogenic.

Literature cited by the submitters: PubMed 25182138; PubMed 31321302.

NM_001100.4(ACTA1):c.460G>T (p.Val154Leu)

Gene: ACTA1 (actin alpha 1, skeletal muscle; minus strand). Cytogenetic location: 1q42.13.
Variant type: single nucleotide variant.
Coding change: c.460G>T on transcript NM_001100.4 (MANE Select); coding-DNA position 460, G replaced by T.
Protein change: p.Val154Leu; replaces valine 154 with leucine.
Molecular consequence: missense variant.
Genome position (GRCh38, 1-based): chr1:229,432,426, C>A on the plus strand (G>T on the coding strand, the complement: ACTA1 is on the minus strand). VCF-style: chr1-229432426-C-A. GRCh37 (hg19) VCF-style: chr1-229568173-C-A.
Other names: short protein forms V154L.
Identifiers: ClinVar variation 855039 (VCV000855039.10), dbSNP rs768144106, ClinGen allele CA1442851.